The following is an entry in ClinVar:

ClinVar aggregate classification (germline): Uncertain significance. Review status: criteria provided, single submitter (1 of 4 stars). 2 submissions from 2 submitters: Uncertain significance (1). 1 of the submissions does not count toward it. Last evaluated 2026-05-19.

Conditions:
Fanconi anemia (FA). Also called: Fanconi's anemia. Identifiers: Orphanet 84, MedGen C0015625, MeSH D005199, MONDO:0019391.
Inborn genetic diseases. Identifiers: MedGen C0950123, MeSH D030342.

gnomAD v4.1: 1 of 1,613,720 alleles (0.000062%); highest among the groups gnomAD compares: Non-Finnish European, 0.000085%; no homozygotes.

Submissions (2):

Ambry Genetics
Classification: Uncertain significance for Inborn genetic diseases. Last evaluated: 2026-05-19. Review status: criteria provided, single submitter. Criteria: Ambry Variant Classification Scheme 2023. Collection method: clinical testing. Allele origin: germline.
Comment: The p.M989T variant (also known as c.2966T>C), located in coding exon 30 of the FANCA gene, results from a T to C substitution at nucleotide position 2966. The methionine at codon 989 is replaced by threonine, an amino acid with similar properties. This amino acid position is conserved. In addition, this alteration is predicted to be tolerated by in silico analysis. Based on the available evidence, the clinical significance of this variant remains unclear.

Natera, Inc.
Classification: Uncertain significance for Fanconi anemia. Last evaluated: 2025-05-09. Review status: no assertion criteria provided. Collection method: clinical testing. Allele origin: germline. Not counted in ClinVar's aggregate classification.

NM_000135.4(FANCA):c.2966T>C (p.Met989Thr)

Gene: FANCA (FA complementation group A; minus strand). Cytogenetic location: 16q24.3.
Variant type: single nucleotide variant.
Coding change: c.2966T>C on transcript NM_000135.4 (MANE Select); coding-DNA position 2966, T replaced by C.
Protein change: p.Met989Thr; replaces methionine 989 with threonine.
Molecular consequence: missense variant.
Genome position (GRCh38, 1-based): chr16:89,758,592, A>G on the plus strand (T>C on the coding strand, the complement: FANCA is on the minus strand). VCF-style: chr16-89758592-A-G. GRCh37 (hg19) VCF-style: chr16-89825000-A-G.
Other names: c.2966T>C, p.Met989Thr (NM_001286167.3); short protein forms M989T.
Identifiers: ClinVar variation 4067937 (VCV004067937.2).